The following is an entry in ClinVar:

ClinVar aggregate classification (germline): Pathogenic (1 of 4 stars; one submission).

Submission:

Labcorp Genetics (formerly Invitae), Labcorp
Classification: Pathogenic. Last evaluated: 2021-01-19. Review status: criteria provided, single submitter. Criteria: Invitae Variant Classification Sherloc (09022015). Collection method: clinical testing. Allele origin: germline.
Comment: For these reasons, this variant has been classified as Pathogenic. This variant has not been reported in the literature in individuals with USH2A-related conditions. This sequence change creates a premature translational stop signal (p.Gln4473Hisfs*5) in the USH2A gene. It is expected to result in an absent or disrupted protein product. Loss-of-function variants in USH2A are known to be pathogenic (PMID: 10729113, 10909849, 20507924, 25649381). This variant is not present in population databases (ExAC no frequency).

Literature cited by the submitters: PubMed 10729113; PubMed 10909849; PubMed 20507924; PubMed 25649381.

NM_206933.4(USH2A):c.13419_13420del (p.Gln4473fs)

Gene: USH2A (usherin; minus strand). Cytogenetic location: 1q41.
Variant type: Deletion.
Coding change: c.13419_13420del on transcript NM_206933.4 (MANE Select); coding-DNA positions 13419 to 13420, 2 bases deleted (GA; older notation c.13419_13420delGA).
Protein change: p.Gln4473fs; shifts the reading frame from glutamine 4473.
Molecular consequence: frameshift variant.
Genome position (GRCh38, 1-based): chr1:215,674,491-215,674,492, TC deleted on the plus strand (GA on the coding strand, the reverse complement: USH2A is on the minus strand); deleting any 2 consecutive bases within chr1:215,674,491-215,674,493 gives the same sequence; the c. name uses the placement nearest the transcript's 3' end. VCF-style (leftmost placement, unchanged base first): chr1-215674490-ATC-A. GRCh37 (hg19) VCF-style: chr1-215847832-ATC-A.
Other names: short protein forms Q4473fs.
Identifiers: ClinVar variation 1399907 (VCV001399907.6), dbSNP rs2102665272, ClinGen allele CA2573131559.
Genomic context (GRCh38, chr1:215,674,490, plus strand): 5'-TAGCGTGTTTCCAAGCCTGTATATACAATGGTTCCATCCCTCCTAAGTTCATAACTTCTG[ATC>A]TGGCCATTTGGGTTTCTTGGAGGTTTCCAGGTGATTTCTATTGATTCTGAGCCTGTGACT-3'